The following is an entry in ClinVar:

NM_198525.3(KIF7):c.952G>A (p.Ala318Thr)

Gene: KIF7 (kinesin family member 7; minus strand). Cytogenetic location: 15q26.1.
Variant type: single nucleotide variant.
Coding change: c.952G>A on transcript NM_198525.3 (MANE Select); coding-DNA position 952, G replaced by A.
Protein change: p.Ala318Thr; replaces alanine 318 with threonine.
Molecular consequence: missense variant.
Genome position (GRCh38, 1-based): chr15:89,648,746, C>T on the plus strand (G>A on the coding strand, the complement: KIF7 is on the minus strand). VCF-style: chr15-89648746-C-T. GRCh37 (hg19) VCF-style: chr15-90191977-C-T.
Other names: short protein forms A318T.
Identifiers: ClinVar variation 317373 (VCV000317373.15), dbSNP rs756368261, ClinGen allele CA7728596.
Genomic context (GRCh38, chr15:89,648,746, plus strand): 5'-TGAGGGTCTCGTCGAAGTCGGAGGAGGAAGGGCTGACGCAGGCGATCATCACCGTCTTGG[C>T]GTTCCCGCCCAGCGAGTCTTTGAGGATCCTGAGGGCGCGAGGGGGAGGCTCTCAGGGGCC-3'
Protein context (NP_940927.2, residues 308-328): RILKDSLGGN[Ala318Thr]KTVMIACVSP

ClinVar aggregate classification (germline): Conflicting classifications of pathogenicity. Review status: criteria provided, conflicting classifications (1 of 4 stars). 4 submissions from 4 submitters: Uncertain significance (2); Likely benign (1). 1 of the submissions does not count toward it. Last evaluated 2026-01-27.

Conditions:
KIF7-related disorder. Also called: KIF7-related condition.
Acrocallosal syndrome (ACLS). Also called: HALLUX DUPLICATION, POSTAXIAL POLYDACTYLY, AND ABSENCE OF CORPUS CALLOSUM; Schinzel syndrome 1; Absence of corpus callosum with unusual facial appearance, mental deficiency, duplication of the halluces and polydactyly. Identifiers: Orphanet 36, MedGen C0796147, MONDO:0008708, OMIM 200990.
Multiple epiphyseal dysplasia, Al-Gazali type. Also called: Macrocephaly with multiple epiphyseal dysplasia and distinctive facies. Identifiers: Orphanet 166024, MedGen C1846722, MONDO:0011778, OMIM 607131.
Hydrolethalus syndrome 2 (HLS2). Identifiers: Orphanet 2189, MedGen C3279899, MONDO:0013585, OMIM 614120.

Allele frequency attached by ClinVar (database versions not stated): gnomAD exomes 0.00008 and 0.00026; TOPMed 0.00012; gnomAD 0.00015; ExAC 0.00039.
gnomAD v4.1: 146 of 1,535,598 alleles (0.0095%); highest among the groups gnomAD compares: Middle Eastern, 0.18%; no homozygotes.

Submissions (4):

Labcorp Genetics (formerly Invitae), Labcorp
Classification: Likely benign for Acrocallosal syndrome. Last evaluated: 2026-01-27. Review status: criteria provided, single submitter. Criteria: Invitae Variant Classification Sherloc (09022015). Collection method: clinical testing. Allele origin: germline.

Fulgent Genetics
Classification: Uncertain significance for Acrocallosal syndrome; Multiple epiphyseal dysplasia, Al-Gazali type; Hydrolethalus syndrome 2. Last evaluated: 2023-12-26. Review status: criteria provided, single submitter. Criteria: ACMG Guidelines, 2015. Collection method: clinical testing. Allele origin: germline.

Illumina Laboratory Services, Illumina
Classification: Uncertain significance for Acrocallosal syndrome. Last evaluated: 2018-01-13. Review status: criteria provided, single submitter. Criteria: ICSL Variant Classification Criteria 13 December 2019. Collection method: clinical testing. Allele origin: germline.

PreventionGenetics, part of Exact Sciences
Classification: Likely benign for KIF7-related condition. Last evaluated: 2023-01-11. Review status: no assertion criteria provided. Collection method: clinical testing. Allele origin: germline. Not counted in ClinVar's aggregate classification.
Comment: This variant is classified as likely benign based on ACMG/AMP sequence variant interpretation guidelines (Richards et al. 2015 PMID: 25741868, with internal and published modifications).